The following is an entry in ClinVar:

ClinVar aggregate classification (germline): Uncertain significance. Review status: criteria provided, multiple submitters, no conflicts (2 of 4 stars). 2 submissions from 2 submitters: Uncertain significance (2). Last evaluated 2025-01-01.

gnomAD v4.1: 30 of 1,614,210 alleles (0.0019%); highest among the groups gnomAD compares: Admixed American, 0.0033%; no homozygotes.

Submissions (2):

CeGaT Center for Human Genetics Tuebingen
Classification: Uncertain significance. Last evaluated: 2025-01-01. Review status: criteria provided, single submitter. Criteria: CeGaT Center For Human Genetics Tuebingen Variant Classification Criteria Version 2. Collection method: clinical testing. Allele origin: germline. Affected: yes. Observed: 1 variant allele.
Comment: SRCAP: PS2:Supporting

Labcorp Genetics (formerly Invitae), Labcorp
Classification: Uncertain significance. Last evaluated: 2024-12-12. Review status: criteria provided, single submitter. Criteria: Invitae Variant Classification Sherloc (09022015). Collection method: clinical testing. Allele origin: germline.
Comment: This sequence change replaces arginine, which is basic and polar, with cysteine, which is neutral and slightly polar, at codon 325 of the SRCAP protein (p.Arg325Cys). This variant is present in population databases (rs749041891, gnomAD 0.004%). This variant has not been reported in the literature in individuals affected with SRCAP-related conditions. Invitae Evidence Modeling of protein sequence and biophysical properties (such as structural, functional, and spatial information, amino acid conservation, physicochemical variation, residue mobility, and thermodynamic stability) indicates that this missense variant is not expected to disrupt SRCAP protein function with a negative predictive value of 80%. In summary, the available evidence is currently insufficient to determine the role of this variant in disease. Therefore, it has been classified as a Variant of Uncertain Significance.

NM_006662.3(SRCAP):c.973C>T (p.Arg325Cys)

Gene: SRCAP (Snf2 related CREBBP activator protein; plus strand). Cytogenetic location: 16p11.2.
Variant type: single nucleotide variant.
Coding change: c.973C>T on transcript NM_006662.3 (MANE Select); coding-DNA position 973, C replaced by T.
Protein change: p.Arg325Cys; replaces arginine 325 with cysteine.
Molecular consequence: missense variant.
Genome position (GRCh38, 1-based): chr16:30,709,967, C>T. VCF-style: chr16-30709967-C-T. GRCh37 (hg19) VCF-style: chr16-30721288-C-T.
Other names: short protein forms R325C.
Identifiers: ClinVar variation 3705591 (VCV003705591.14).